The following is an entry in ClinVar:

NM_176787.5(PIGN):c.1023+1G>A

Gene: PIGN (phosphatidylinositol glycan anchor biosynthesis class N; minus strand). Cytogenetic location: 18q21.33.
Variant type: single nucleotide variant.
Coding change: c.1023+1G>A on transcript NM_176787.5 (MANE Select); the canonical splice donor site of the intron after coding-DNA position 1023, G replaced by A.
Molecular consequence: splice donor variant.
Genome position (GRCh38, 1-based): chr18:62,140,419, C>T on the plus strand (G>A on the coding strand, the complement: PIGN is on the minus strand). VCF-style: chr18-62140419-C-T. GRCh37 (hg19) VCF-style: chr18-59807652-C-T.
Other names: c.1023+1G>A (NM_001438910.1, NM_012327.6, NM_001438896.1 and 2 more transcripts).
Identifiers: ClinVar variation 4810913 (VCV004810913.1).
Genomic context (GRCh38, chr18:62,140,419, plus strand): 5'-ATTTTACTGTGCGATAGTTTTTTTTTATACTGAGAGTTGATAATAAAATTTTATTCCTTA[C>T]CACTGAGTTAAGAGGAAAGGGAACTCCAATAAGGGAAGTCATCAATGGTGCAATATCAGC-3'

ClinVar aggregate classification (germline): Likely pathogenic (1 of 4 stars; one submission).

Conditions:
Multiple congenital anomalies-hypotonia-seizures syndrome 1 (MCAHS1). Also called: PIGN-CDG; Congenital disorder of glycosylation due to PIGN deficiency; GLYCOSYLPHOSPHATIDYLINOSITOL BIOSYNTHESIS DEFECT 3. Identifiers: Orphanet 280633, MedGen C3279775, MONDO:0013563, OMIM 614080.

Submission:

Labcorp Genetics (formerly Invitae), Labcorp
Classification: Likely pathogenic for Multiple congenital anomalies-hypotonia-seizures syndrome 1. Last evaluated: 2025-10-22. Review status: criteria provided, single submitter. Criteria: Invitae Variant Classification Sherloc (09022015). Collection method: clinical testing. Allele origin: germline.
Comment: This sequence change affects a donor splice site in intron 12 of the PIGN gene. It is expected to disrupt RNA splicing. Variants that disrupt the donor or acceptor splice site typically lead to a loss of protein function (PMID: 16199547), and loss-of-function variants in PIGN are known to be pathogenic (PMID: 24253414, 27038415). The frequency data for this variant in the population databases is considered unreliable, as metrics indicate poor data quality at this position in the gnomAD database. This variant has not been reported in the literature in individuals affected with PIGN-related conditions. Algorithms developed to predict the effect of sequence changes on RNA splicing suggest that this variant may disrupt the consensus splice site. In summary, the currently available evidence indicates that the variant is pathogenic, but additional data are needed to prove that conclusively. Therefore, this variant has been classified as Likely Pathogenic.

Literature cited by the submitters: PubMed 16199547; PubMed 24253414; PubMed 27038415.